The following is an entry in ClinVar:

ClinVar aggregate classification (germline): Uncertain significance (1 of 4 stars; one submission).

Conditions:
2-aminoadipic 2-oxoadipic aciduria (AAKAD). Also called: Aminoadipic aciduria; ALPHA-AMINOADIPIC AND ALPHA-KETOADIPIC ACIDURIA. Identifiers: Orphanet 79154, MedGen C1859817, MONDO:0008774, OMIM 204750.

Allele frequency attached by ClinVar (database versions not stated): gnomAD 0.00001; TOPMed 0.00001.
gnomAD v4.1: 1 of 1,613,564 alleles (0.000062%); highest among the groups gnomAD compares: African/African-American, 0.0013%; no homozygotes.

Submission:

Labcorp Genetics (formerly Invitae), Labcorp
Classification: Uncertain significance for 2-aminoadipic 2-oxoadipic aciduria. Last evaluated: 2023-03-01. Review status: criteria provided, single submitter. Criteria: Invitae Variant Classification Sherloc (09022015). Collection method: clinical testing. Allele origin: germline.
Comment: This variant has not been reported in the literature in individuals affected with DHTKD1-related conditions. In summary, the available evidence is currently insufficient to determine the role of this variant in disease. Therefore, it has been classified as a Variant of Uncertain Significance. Advanced modeling of protein sequence and biophysical properties (such as structural, functional, and spatial information, amino acid conservation, physicochemical variation, residue mobility, and thermodynamic stability) performed at Invitae indicates that this missense variant is expected to disrupt DHTKD1 protein function. This variant is not present in population databases (gnomAD no frequency). This sequence change replaces serine, which is neutral and polar, with cysteine, which is neutral and slightly polar, at codon 384 of the DHTKD1 protein (p.Ser384Cys).

NM_018706.7(DHTKD1):c.1150A>T (p.Ser384Cys)

Gene: DHTKD1 (dehydrogenase E1 and transketolase domain containing 1; plus strand). Cytogenetic location: 10p14.
Variant type: single nucleotide variant.
Coding change: c.1150A>T on transcript NM_018706.7 (MANE Select); coding-DNA position 1150, A replaced by T.
Protein change: p.Ser384Cys; replaces serine 384 with cysteine.
Molecular consequence: missense variant.
Genome position (GRCh38, 1-based): chr10:12,091,675, A>T. VCF-style: chr10-12091675-A-T. GRCh37 (hg19) VCF-style: chr10-12133674-A-T.
Other names: short protein forms S384C.
Identifiers: ClinVar variation 2700142 (VCV002700142.3), dbSNP rs937030088, ClinGen allele CA202583300.